The following is an entry in ClinVar:

NM_005909.5(MAP1B):c.2895C>T (p.Ser965=)

Gene: MAP1B (microtubule associated protein 1B; plus strand). Cytogenetic location: 5q13.2.
Variant type: single nucleotide variant.
Coding change: c.2895C>T on transcript NM_005909.5 (MANE Select); coding-DNA position 2895, C replaced by T.
Protein change: p.Ser965=; no amino-acid change (serine 965 retained).
Molecular consequence: synonymous variant.
Genome position (GRCh38, 1-based): chr5:72,196,250, C>T. VCF-style: chr5-72196250-C-T. GRCh37 (hg19) VCF-style: chr5-71492077-C-T.
Other names: c.2517C>T, p.Ser839= (NM_001324255.2); c.2895C>T (NM_005909.4).
Identifiers: ClinVar variation 4822517 (VCV004822517.5).

ClinVar aggregate classification (germline): Likely benign. Review status: criteria provided, multiple submitters, no conflicts (2 of 4 stars). 2 submissions from 2 submitters: Likely benign (2). Last evaluated 2026-02-13.

Conditions:
MAP1B-related disorder. Also called: MAP1B-related condition.

gnomAD v4.1: 384 of 1,613,706 alleles (0.024%); highest among the groups gnomAD compares: South Asian, 0.04%; 1 homozygote.

Submissions (2):

PreventionGenetics, part of Exact Sciences
Classification: Likely benign for MAP1B-related condition. Last evaluated: 2026-02-13. Review status: criteria provided, single submitter. Criteria: ACMG Guidelines, 2015. Collection method: clinical testing. Allele origin: germline.
Comment: This variant is classified as likely benign based on ACMG/AMP sequence variant interpretation guidelines (Richards et al. 2015 PMID: 25741868, with internal and published modifications).

CeGaT Center for Human Genetics Tuebingen
Classification: Likely benign. Last evaluated: 2026-02-01. Review status: criteria provided, single submitter. Criteria: CeGaT Center For Human Genetics Tuebingen Variant Classification Criteria Version 2. Collection method: clinical testing. Allele origin: germline. Affected: yes. Observed: 1 variant allele.
Comment: MAP1B: BP4, BP7